The following is an entry in ClinVar:

ClinVar aggregate classification (germline): Likely benign (1 of 4 stars; one submission).

Submission:

GeneDx
Classification: Likely benign. Last evaluated: 2017-01-12. Review status: criteria provided, single submitter. Criteria: GeneDx Variant Classification (06012015). Collection method: clinical testing. Allele origin: germline. Affected: yes.
Comment: This variant is considered likely benign or benign based on one or more of the following criteria: it is a conservative change, it occurs at a poorly conserved position in the protein, it is predicted to be benign by multiple in silico algorithms, and/or has population frequency not consistent with disease.

NM_000264.5(PTCH1):c.*1+20dup

Gene: PTCH1 (patched 1; minus strand). Cytogenetic location: 9q22.32.
Variant type: Duplication.
Coding change: c.*1+20dup on transcript NM_000264.5 (MANE Select); 20 bases into the intron after 1 bases downstream of the stop codon, one base duplicated (G; older notation c.*1+20dupG).
Molecular consequence: intron variant.
Genome position (GRCh38, 1-based): chr9:95,446,891, C duplicated on the plus strand (G on the coding strand, the reverse complement: PTCH1 is on the minus strand); the first of 3 consecutive C bases (chr9:95,446,891-95,446,893); duplicating any one gives the same sequence. VCF-style (leftmost placement, unchanged base first): chr9-95446890-G-GC. GRCh37 (hg19) VCF-style: chr9-98209172-G-GC.
Other names: c.*1+20dupG (NM_000264.3); c.*1+20dup (NM_001083603.3, NM_001083602.3, NM_001354918.2 and 4 more transcripts).
Identifiers: ClinVar variation 423077 (VCV000423077.1), dbSNP rs1064796211, ClinGen allele CA16618901.